The following is an entry in ClinVar:

NM_001365480.1(CCDC88A):c.26T>A (p.Leu9His)

Gene: CCDC88A (coiled-coil and HOOK domain protein 88A; minus strand). Cytogenetic location: 2p16.1.
Variant type: single nucleotide variant.
Coding change: c.26T>A on transcript NM_001365480.1 (MANE Select); coding-DNA position 26, T replaced by A.
Protein change: p.Leu9His; replaces leucine 9 with histidine.
Molecular consequence: missense variant.
Genome position (GRCh38, 1-based): chr2:55,419,054, A>T on the plus strand (T>A on the coding strand, the complement: CCDC88A is on the minus strand). VCF-style: chr2-55419054-A-T. GRCh37 (hg19) VCF-style: chr2-55646190-A-T.
Other names: c.26T>A, p.Leu9His (NM_001135597.2, NM_001254943.2, NM_018084.5); short protein forms L9H.
Identifiers: ClinVar variation 1393643 (VCV001393643.6), dbSNP rs1681928366, ClinGen allele CA346913288.

ClinVar aggregate classification (germline): Uncertain significance (1 of 4 stars; one submission).

Allele frequency attached by ClinVar (database versions not stated): TOPMed below 0.00001; gnomAD 0.00001.
gnomAD v4.1: 1 of 1,613,140 alleles (0.000062%); highest among the groups gnomAD compares: African/African-American, 0.0013%; no homozygotes.

Submission:

Labcorp Genetics (formerly Invitae), Labcorp
Classification: Uncertain significance. Last evaluated: 2021-11-16. Review status: criteria provided, single submitter. Criteria: Invitae Variant Classification Sherloc (09022015). Collection method: clinical testing. Allele origin: germline.
Comment: In summary, the available evidence is currently insufficient to determine the role of this variant in disease. Therefore, it has been classified as a Variant of Uncertain Significance. Algorithms developed to predict the effect of missense changes on protein structure and function are either unavailable or do not agree on the potential impact of this missense change (SIFT: "Deleterious"; PolyPhen-2: "Possibly Damaging"; Align-GVGD: "Class C0"). This variant has not been reported in the literature in individuals affected with CCDC88A-related conditions. This variant is not present in population databases (gnomAD no frequency). This sequence change replaces leucine, which is neutral and non-polar, with histidine, which is basic and polar, at codon 9 of the CCDC88A protein (p.Leu9His).